The following is an entry in ClinVar:

NM_001009944.3(PKD1):c.4136A>G (p.Glu1379Gly)

Gene: PKD1 (polycystin 1, transient receptor potential channel interacting; minus strand). Cytogenetic location: 16p13.3.
Variant type: single nucleotide variant.
Coding change: c.4136A>G on transcript NM_001009944.3 (MANE Select); coding-DNA position 4136, A replaced by G.
Protein change: p.Glu1379Gly; replaces glutamic acid 1379 with glycine.
Molecular consequence: missense variant.
Genome position (GRCh38, 1-based): chr16:2,111,031, T>C on the plus strand (A>G on the coding strand, the complement: PKD1 is on the minus strand). VCF-style: chr16-2111031-T-C. GRCh37 (hg19) VCF-style: chr16-2161032-T-C.
Other names: c.4136A>G, p.Glu1379Gly (NM_000296.4); short protein forms E1379G.
Identifiers: ClinVar variation 1207741 (VCV001207741.9), dbSNP rs149210297, ClinGen allele CA7832479.

ClinVar aggregate classification (germline): Conflicting classifications of pathogenicity. Review status: criteria provided, conflicting classifications (1 of 4 stars). 4 submissions from 4 submitters: Uncertain significance (1); Likely benign (2). 1 of the submissions does not count toward it. Last evaluated 2024-08-15.

Conditions:
PKD1-related disorder. Also called: PKD1-related condition.
Polycystic kidney disease, adult type (PKD1). Also called: POLYCYSTIC KIDNEY DISEASE 1 WITH OR WITHOUT POLYCYSTIC LIVER DISEASE; Polycystic Kidney Disease 1, Autosomal Dominant; Polycystic kidney disease 1; Polycystic kidney disease 1, severe; Polycystic Kidney, Autosomal Dominant; POLYCYSTIC KIDNEY DISEASE, ADULT, TYPE I. Identifiers: MedGen C3149841, MONDO:0008263, OMIM 173900.

Allele frequency attached by ClinVar (database versions not stated): ESP Exome Variant Server 0.00085.
gnomAD v4.1: 99 of 1,610,658 alleles (0.0061%); highest among the groups gnomAD compares: African/African-American, 0.1%; 1 homozygote.

Submissions (4):

Department of Pathology and Laboratory Medicine, Sinai Health System
Classification: Uncertain significance for Polycystic kidney disease, adult type. Last evaluated: 2024-08-15. Review status: criteria provided, single submitter. Criteria: ACMG Guidelines, 2015. Collection method: clinical testing. Allele origin: germline.

GeneDx
Classification: Likely benign. Last evaluated: 2021-10-29. Review status: criteria provided, single submitter. Criteria: GeneDx Variant Classification Process June 2021. Collection method: clinical testing. Allele origin: germline. Affected: yes.
Comment: In silico analysis supports that this missense variant has a deleterious effect on protein structure/function; Has not been previously published as pathogenic or benign to our knowledge

Fulgent Genetics
Classification: Likely benign for Polycystic kidney disease, adult type. Last evaluated: 2021-10-23. Review status: criteria provided, single submitter. Criteria: ACMG Guidelines, 2015. Collection method: clinical testing. Allele origin: unknown.

PreventionGenetics, part of Exact Sciences
Classification: Likely benign for PKD1-related condition. Last evaluated: 2024-03-28. Review status: no assertion criteria provided. Collection method: clinical testing. Allele origin: germline. Not counted in ClinVar's aggregate classification.
Comment: This variant is classified as likely benign based on ACMG/AMP sequence variant interpretation guidelines (Richards et al. 2015 PMID: 25741868, with internal and published modifications).